The following is an entry in ClinVar:

ClinVar aggregate classification (germline): Uncertain significance (1 of 4 stars; one submission).

Conditions:
Inborn genetic diseases. Identifiers: MedGen C0950123, MeSH D030342.

gnomAD v4.1: 1 of 1,611,740 alleles (0.000062%); highest among the groups gnomAD compares: Non-Finnish European, 0.000085%; no homozygotes.

Submission:

Ambry Genetics
Classification: Uncertain significance for Inborn genetic diseases. Last evaluated: 2024-10-30. Review status: criteria provided, single submitter. Criteria: Ambry Variant Classification Scheme 2023. Collection method: clinical testing. Allele origin: germline.
Comment: The c.2035-5G>T intronic alteration results from a G to T substitution 5 nucleotides before coding exon 17 of the WDR62 gene. Based on data from gnomAD, the T allele has an overall frequency of <0.001% (1/250568) total alleles studied. The highest observed frequency was 0.001% (1/113128) of European (non-Finnish) alleles. This nucleotide position is not well conserved in available vertebrate species. In silico splice site analysis predicts that this alteration will not have any significant effect on splicing. Based on insufficient or conflicting evidence, the clinical significance of this alteration remains unclear.

NM_001083961.2(WDR62):c.2035-5G>T

Gene: WDR62 (WD repeat domain 62; plus strand). Cytogenetic location: 19q13.12.
Variant type: single nucleotide variant.
Coding change: c.2035-5G>T on transcript NM_001083961.2 (MANE Select); 5 bases into the intron before coding-DNA position 2035, G replaced by T.
Molecular consequence: intron variant.
Genome position (GRCh38, 1-based): chr19:36,091,195, G>T. VCF-style: chr19-36091195-G-T. GRCh37 (hg19) VCF-style: chr19-36582097-G-T.
Other names: c.2035-5G>T (NM_173636.5, NM_001411146.1); c.2020-5G>T (NM_001411145.1); c.1684-5G>T (NM_001411147.1).
Identifiers: ClinVar variation 3469548 (VCV003469548.1).
Genomic context (GRCh38, chr19:36,091,195, plus strand): 5'-GCCCAGGCCTCATCATAAGGAAGAAGCAGGCAGCTGGAGTGACATGTGGGTCCCTTTCCT[G>T]GCAGGTCCATGTGGACCCCTCAGGCACCTTCCTGGCCACCAGCTGCTCTGACAAAAGCAT-3'